The following is an entry in ClinVar:

NM_213653.4(HJV):c.960dup (p.Cys321fs)

Gene: HJV (hemojuvelin BMP co-receptor; minus strand). Cytogenetic location: 1q21.1.
Variant type: Duplication.
Coding change: c.960dup on transcript NM_213653.4 (MANE Select); coding-DNA position 960, one base duplicated (G; older notation c.960dupG).
Protein change: p.Cys321fs; shifts the reading frame from cysteine 321.
Molecular consequence: frameshift variant.
Genome position (GRCh38, 1-based): chr1:146,018,398, C duplicated on the plus strand (G on the coding strand, the reverse complement: HJV is on the minus strand); the first of 6 consecutive C bases (chr1:146,018,398-146,018,403); duplicating any one gives the same sequence. VCF-style (leftmost placement, unchanged base first): chr1-146018397-A-AC. GRCh37 (hg19) VCF-style: chr1-145416609-T-TG.
Other names: c.282dup, p.Cys95fs (NM_001316767.2, NM_202004.4, NM_213652.4); c.960dup, p.Cys321fs (NM_001379352.1); c.621dup, p.Cys208fs (NM_145277.5); c.960dupG (NM_213653.4); c.960dup (NM_213653.3); short protein forms C208fs, C321fs, C95fs.
Identifiers: ClinVar variation 2733977 (VCV002733977.5), dbSNP rs782590037, ClinGen allele CA1053924.
Genomic context (GRCh38, chr1:146,018,397, plus strand): 5'-CAATGGTTATAGCTCCCCGACGATTGCGCTCTGATCGAGAGAGTCGCTGACTTGGAGGGC[A>AC]CCCCCCAACACAGAGCTGCAGGTCCTGTTCAGCTGAGAAGGCCATGGCCACATCCTCTGC-3'

ClinVar aggregate classification (germline): Pathogenic. Review status: criteria provided, multiple submitters, no conflicts (2 of 4 stars). 3 submissions from 3 submitters: Pathogenic (3). Last evaluated 2024-07-16.

Conditions:
Hemochromatosis type 2A (HFE2A). Also called: Adult-Onset Hemochromatosis; HJV (HFE2)-Related Juvenile Hemochromatosis. Identifiers: Orphanet 79230, MedGen C1865614, MONDO:0011216, OMIM 602390.

Submissions (3):

Natera, Inc.
Classification: Pathogenic for Hemochromatosis type 2A. Last evaluated: 2024-07-16. Review status: criteria provided, single submitter. Criteria: Natera Variant Classification Schema (03/2026). Collection method: clinical testing. Allele origin: germline.
Comment: The c.960dup variant in HJV is a frameshift variant predicted to shift the reading frame beginning at codon 321 and leads to a stop codon 21 codons downstream. This variant is expected to result in nonsense mediated decay, truncation, or a dysfunctional protein product. This variant is rare in the general population with a frequency below the threshold expected for the associated phenotype(s). This variant has been observed in one or more individuals affected with the associated recessive disease, as either homozygous or compound heterozygous with a second variant (PMID: 14982873). Given the available evidence, this variant is classified as Pathogenic.

Women's Health and Genetics/Laboratory Corporation of America, LabCorp
Classification: Pathogenic for Hemochromatosis type 2A. Last evaluated: 2024-01-12. Review status: criteria provided, single submitter. Criteria: LabCorp Variant Classification Summary - May 2015. Collection method: clinical testing. Allele origin: germline.
Comment: Variant summary: HJV c.960dupG (p.Cys321ValfsX21) results in a premature termination codon. While it is not predicted to undergo nonsense mediated decay, it is predicted to disrupt >80 amino acids in the c-terminus of the protein. Variants downstream of this position have been reported in patients with Haemochromatosis. The variant was absent in 1461786 control chromosomes. c.960dupG has been reported in the literature in individuals affected with Hemochromatosis Type 2A without the report of second allele (Lanzara_2004, Pelusi_2014). To our knowledge, no experimental evidence demonstrating an impact on protein function has been reported. No submitters have cited clinical-significance assessments for this variant to ClinVar. Based on the evidence outlined above, the variant was classified as pathogenic.

Labcorp Genetics (formerly Invitae), Labcorp
Classification: Pathogenic. Last evaluated: 2022-11-06. Review status: criteria provided, single submitter. Criteria: Invitae Variant Classification Sherloc (09022015). Collection method: clinical testing. Allele origin: germline.
Comment: For these reasons, this variant has been classified as Pathogenic. This variant disrupts a region of the HJV protein in which other variant(s) (p.Arg385*) have been determined to be pathogenic (PMID: 14982873, 30389309). This suggests that this is a clinically significant region of the protein, and that variants that disrupt it are likely to be disease-causing. This variant is also known as c.960_961insG, c.954-955insG, g.3659_3660insG. This premature translational stop signal has been observed in individual(s) with HJV-related conditions (PMID: 14982873, 21901660, 25152992). This variant is present in population databases (rs782590037, gnomAD 0.006%). This sequence change creates a premature translational stop signal (p.Cys321Valfs*21) in the HJV gene. While this is not anticipated to result in nonsense mediated decay, it is expected to disrupt the last 106 amino acid(s) of the HJV protein.

Literature cited by the submitters: PubMed 14982873 (cited by 3 submitters); PubMed 25152992 (cited by Women's Health and Genetics/Laboratory Corporation of America, LabCorp and Labcorp Genetics (formerly Invitae), Labcorp); PubMed 30389309 (cited by Labcorp Genetics (formerly Invitae), Labcorp); PubMed 21901660 (cited by Labcorp Genetics (formerly Invitae), Labcorp).